The following is an entry in ClinVar:

ClinVar aggregate classification (germline): Uncertain significance (1 of 4 stars; one submission).

Conditions:
Epidermolysis bullosa simplex 5C, with pyloric atresia (EBS5C). Also called: PLEC-Related Epidermolysis Bullosa with Pyloric Atresia; Epidermolysis bullosa simplex with pyloric atresia; PLEC1-Related Epidermolysis Bullosa with Pyloric Atresia. Identifiers: Orphanet 158684, MedGen C2677349, MONDO:0012807, OMIM 612138.
Epidermolysis bullosa simplex with nail dystrophy (EBS5D). Identifiers: MedGen C4225309, MONDO:0014661, OMIM 616487.
Epidermolysis bullosa simplex 5B, with muscular dystrophy (EBS5B). Also called: Epidermolysis bullosa simplex with muscular dystrophy; EPIDERMOLYSIS BULLOSA SIMPLEX AND LIMB-GIRDLE MUSCULAR DYSTROPHY. Identifiers: Orphanet 257, MedGen C2931072, MONDO:0009181, OMIM 226670.
Autosomal recessive limb-girdle muscular dystrophy type 2Q (LGMDR17). Also called: MUSCULAR DYSTROPHY, LIMB-GIRDLE, AUTOSOMAL RECESSIVE 17. Identifiers: Orphanet 254361, MedGen C3150989, MONDO:0013390, OMIM 613723.
Epidermolysis bullosa simplex, Ogna type (EBS5A). Also called: Pidermolysis bullosa simplex 5A, Ogna type; EPIDERMOLYSIS BULLOSA SIMPLEX 5A, OGNA TYPE. Identifiers: Orphanet 79401, MedGen C0432317, MONDO:0007555, OMIM 131950.

Submission:

Labcorp Genetics (formerly Invitae), Labcorp
Classification: Uncertain significance for Autosomal recessive limb-girdle muscular dystrophy type 2Q; Epidermolysis bullosa simplex, Ogna type; Epidermolysis bullosa simplex with nail dystrophy; Epidermolysis bullosa simplex 5C, with pyloric atresia; Epidermolysis bullosa simplex 5B, with muscular dystrophy. Last evaluated: 2023-11-28. Review status: criteria provided, single submitter. Criteria: Invitae Variant Classification Sherloc (09022015). Collection method: clinical testing. Allele origin: germline.
Comment: This variant, c.8980_8985del, results in the deletion of 2 amino acid(s) of the PLEC protein (p.Glu2994_Gln2995del), but otherwise preserves the integrity of the reading frame. This variant is present in population databases (rs782298339, gnomAD 0.01%). This variant has not been reported in the literature in individuals affected with PLEC-related conditions. ClinVar contains an entry for this variant (Variation ID: 571642). Experimental studies and prediction algorithms are not available or were not evaluated, and the functional significance of this variant is currently unknown. In summary, the available evidence is currently insufficient to determine the role of this variant in disease. Therefore, it has been classified as a Variant of Uncertain Significance.

NM_201384.3(PLEC):c.8893GAGCAG[1] (p.2965EQ[1])

Gene: PLEC (plectin; minus strand). Cytogenetic location: 8q24.3.
Variant type: Microsatellite.
Coding change: c.8893GAGCAG[1] on transcript NM_201384.3 (MANE Select); one copy of the 6-base unit GAGCAG starting at c.8893; the reference has two copies in a row; one copy, 6 bases deleted.
Protein change: p.2965EQ[1].
Molecular consequence: inframe deletion.
Genome position (GRCh38, 1-based): chr8:143,920,917-143,920,922, CTGCTC deleted on the plus strand (GAGCAG on the coding strand, the reverse complement: PLEC is on the minus strand); deleting any 6 consecutive bases within chr8:143,920,917-143,920,930 gives the same sequence; the position shown is the placement nearest the transcript's 3' end. VCF-style (leftmost placement, unchanged base first): chr8-143920916-TCTGCTC-T. GRCh37 (hg19) VCF-style: chr8-144995084-TCTGCTC-T.
Other names: c.8974GAGCAG[1], p.2992EQ[1] (NM_000445.5); c.8851GAGCAG[1], p.2951EQ[1] (NM_201378.4); c.8827GAGCAG[1], p.2943EQ[1] (NM_201379.3); c.9304GAGCAG[1], p.3102EQ[1] (NM_201380.4); c.8797GAGCAG[1], p.2933EQ[1] (NM_201381.3); c.8893GAGCAG[1], p.2965EQ[1] (NM_201382.4); c.8905GAGCAG[1], p.2969EQ[1] (NM_201383.3).
Identifiers: ClinVar variation 571642 (VCV000571642.6), dbSNP rs782298339, ClinGen allele CA4925143.
Genomic context (GRCh38, chr8:143,920,916, plus strand): 5'-TCTCCAGCAGCTCGGCGGCTGGCACCAGGCTGCGCAGGCCCTCAAAGCAAAGCCGGCCCT[TCTGCTC>T]CTGCTCCTCCACCACCGTGATGATGATCTTGATGATCTTCTCCACTGTGATCCGGCCCGT-3'